The following is an entry in ClinVar:

ClinVar aggregate classification (germline): Uncertain significance (1 of 4 stars; one submission).

Allele frequency attached by ClinVar (database versions not stated): gnomAD exomes below 0.00001; ExAC 0.00001; gnomAD 0.00001; TOPMed 0.00001.
gnomAD v4.1: 5 of 1,613,936 alleles (0.00031%); highest among the groups gnomAD compares: African/African-American, 0.0013%; no homozygotes.

Submission:

Labcorp Genetics (formerly Invitae), Labcorp
Classification: Uncertain significance. Last evaluated: 2022-10-17. Review status: criteria provided, single submitter. Criteria: Invitae Variant Classification Sherloc (09022015). Collection method: clinical testing. Allele origin: germline.
Comment: In summary, the available evidence is currently insufficient to determine the role of this variant in disease. Therefore, it has been classified as a Variant of Uncertain Significance. Variants that disrupt the consensus splice site are a relatively common cause of aberrant splicing (PMID: 17576681, 9536098). Algorithms developed to predict the effect of sequence changes on RNA splicing suggest that this variant is not likely to affect RNA splicing. ClinVar contains an entry for this variant (Variation ID: 1503327). This variant has not been reported in the literature in individuals affected with FLVCR1-related conditions. This variant is not present in population databases (gnomAD no frequency). This sequence change falls in intron 1 of the FLVCR1 gene. It does not directly change the encoded amino acid sequence of the FLVCR1 protein. It affects a nucleotide within the consensus splice site.

Literature cited by the submitters: PubMed 17576681; PubMed 9536098.

NM_014053.4(FLVCR1):c.738+4A>G

Gene: FLVCR1 (FLVCR choline and heme transporter 1; plus strand). Cytogenetic location: 1q32.3.
Variant type: single nucleotide variant.
Coding change: c.738+4A>G on transcript NM_014053.4 (MANE Select); 4 bases into the intron after coding-DNA position 738, A replaced by G.
Molecular consequence: intron variant.
Genome position (GRCh38, 1-based): chr1:212,859,194, A>G. VCF-style: chr1-212859194-A-G. GRCh37 (hg19) VCF-style: chr1-213032536-A-G.
Identifiers: ClinVar variation 1503327 (VCV001503327.5), dbSNP rs199736700, ClinGen allele CA1385935.